The following is an entry in ClinVar:

ClinVar aggregate classification (germline): Uncertain significance (1 of 4 stars; one submission).

Conditions:
Cardiovascular phenotype. Identifiers: MedGen CN230736.

Allele frequency attached by ClinVar (database versions not stated): ExAC 0.00001; gnomAD 0.00001; TOPMed 0.00001.
gnomAD v4.1: 46 of 1,579,734 alleles (0.0029%); highest among the groups gnomAD compares: Non-Finnish European, 0.0039%; no homozygotes.

Submission:

Ambry Genetics
Classification: Uncertain significance for Cardiovascular phenotype. Last evaluated: 2023-02-18. Review status: criteria provided, single submitter. Criteria: Ambry Variant Classification Scheme 2023. Collection method: clinical testing. Allele origin: germline.
Comment: The p.P1299S variant (also known as c.3895C>T), located in coding exon 6 of the ALPK3 gene, results from a C to T substitution at nucleotide position 3895. The proline at codon 1299 is replaced by serine, an amino acid with similar properties. This amino acid position is poorly conserved in available vertebrate species. In addition, this alteration is predicted to be tolerated by in silico analysis. Since supporting evidence is limited at this time, the clinical significance of this alteration remains unclear.

NM_020778.5(ALPK3):c.3289C>T (p.Pro1097Ser)

Gene: ALPK3 (alpha kinase 3; plus strand). Cytogenetic location: 15q25.3.
Variant type: single nucleotide variant.
Coding change: c.3289C>T on transcript NM_020778.5 (MANE Select); coding-DNA position 3289, C replaced by T.
Protein change: p.Pro1097Ser; replaces proline 1097 with serine.
Molecular consequence: missense variant.
Genome position (GRCh38, 1-based): chr15:84,858,027, C>T. VCF-style: chr15-84858027-C-T. GRCh37 (hg19) VCF-style: chr15-85401258-C-T.
Other names: short protein forms P1097S.
Identifiers: ClinVar variation 1735932 (VCV001735932.3), dbSNP rs769254376, ClinGen allele CA7709595.
Genomic context (GRCh38, chr15:84,858,027, plus strand): 5'-GACGAGGAGGACCCTGGGCTGGCCTCAGAAGGAGCCAGTGAGGGTGAAGGAGAGGTTTCC[C>T]CTGAGGGGCCTGGCCTCCTGGGGGCCTCTCAGGAGAGCAGCATGGCTGGTCGACTGGGGG-3'
Protein context (NP_065829.4, residues 1087-1107): GASEGEGEVS[Pro1097Ser]EGPGLLGASQ